The following is an entry in ClinVar:

ClinVar aggregate classification (germline): Likely benign (1 of 4 stars; one submission).

Submission:

GeneDx
Classification: Likely benign. Last evaluated: 2016-02-12. Review status: criteria provided, single submitter. Criteria: GeneDx Variant Classification (06012015). Collection method: clinical testing. Allele origin: germline. Affected: yes.
Comment: This variant is considered likely benign or benign based on one or more of the following criteria: it is a conservative change, it occurs at a poorly conserved position in the protein, it is predicted to be benign by multiple in silico algorithms, and/or has population frequency not consistent with disease.

NM_001277062.2(MFF):c.-139TC[1]

Gene: MFF (mitochondrial fission factor; plus strand). Cytogenetic location: 2q36.3.
Variant type: Microsatellite.
Coding change: c.-139TC[1] on transcript NM_001277062.2 (MANE Select); one copy of the 2-base unit TC starting at c.-139; the reference has two copies in a row; one copy, 2 bases deleted.
Molecular consequence: 5 prime UTR variant. On other transcripts: intron variant (1).
Genome position (GRCh38, 1-based): chr2:227,328,693-227,328,694, TC deleted; deleting any 2 consecutive bases within chr2:227,328,690-227,328,694 gives the same sequence; the position shown is the placement nearest the transcript's 3' end. VCF-style (leftmost placement, unchanged base first): chr2-227328689-GCT-G. GRCh37 (hg19) VCF-style: chr2-228193405-GCT-G.
Other names: c.-237_-236delTC (NM_020194.5); c.-239TC[1] (NM_001277061.2, NM_020194.5); c.-139TC[1] (NM_001277063.2, NM_001277064.2, NM_001277065.2 and 1 more transcripts); c.-312TC[1] (NM_001277067.1); c.-40-1933_-40-1932del (NM_001277066.2).
Identifiers: ClinVar variation 420332 (VCV000420332.1), dbSNP rs1064794418, ClinGen allele CA16617490.